The following is an entry in ClinVar:

NM_001286577.2(C2CD3):c.5496A>T (p.Arg1832Ser)

Gene: C2CD3 (C2 domain containing 3 centriole elongation regulator; minus strand). Cytogenetic location: 11q13.4.
Variant type: single nucleotide variant.
Coding change: c.5496A>T on transcript NM_001286577.2 (MANE Select); coding-DNA position 5496, A replaced by T.
Protein change: p.Arg1832Ser; replaces arginine 1832 with serine.
Molecular consequence: missense variant.
Genome position (GRCh38, 1-based): chr11:74,042,218, T>A on the plus strand (A>T on the coding strand, the complement: C2CD3 is on the minus strand). VCF-style: chr11-74042218-T-A. GRCh37 (hg19) VCF-style: chr11-73753263-T-A.
Other names: c.5496A>T, p.Arg1832Ser (NM_015531.6); short protein forms R1832S.
Identifiers: ClinVar variation 3728723 (VCV003728723.2).

ClinVar aggregate classification (germline): Uncertain significance (1 of 4 stars; one submission).

Submission:

Labcorp Genetics (formerly Invitae), Labcorp
Classification: Uncertain significance. Last evaluated: 2025-01-08. Review status: criteria provided, single submitter. Criteria: Invitae Variant Classification Sherloc (09022015). Collection method: clinical testing. Allele origin: germline.
Comment: This sequence change replaces arginine, which is basic and polar, with serine, which is neutral and polar, at codon 1832 of the C2CD3 protein (p.Arg1832Ser). This variant is not present in population databases (gnomAD no frequency). This variant has not been reported in the literature in individuals affected with C2CD3-related conditions. An algorithm developed to predict the effect of missense changes on protein structure and function (PolyPhen-2) suggests that this variant is likely to be tolerated. Algorithms developed to predict the effect of sequence changes on RNA splicing suggest that this variant may create or strengthen a splice site. In summary, the available evidence is currently insufficient to determine the role of this variant in disease. Therefore, it has been classified as a Variant of Uncertain Significance.